The following is an entry in ClinVar:

ClinVar aggregate classification (germline): Uncertain significance (1 of 4 stars; one submission).

Allele frequency attached by ClinVar (database versions not stated): gnomAD exomes below 0.00001.
gnomAD v4.1: 1 of 1,614,182 alleles (0.000062%); highest among the groups gnomAD compares: Non-Finnish European, 0.000085%; no homozygotes.

Submission:

Labcorp Genetics (formerly Invitae), Labcorp
Classification: Uncertain significance. Last evaluated: 2023-02-09. Review status: criteria provided, single submitter. Criteria: Invitae Variant Classification Sherloc (09022015). Collection method: clinical testing. Allele origin: germline.
Comment: This sequence change replaces serine, which is neutral and polar, with asparagine, which is neutral and polar, at codon 2927 of the DNAH9 protein (p.Ser2927Asn). This variant is not present in population databases (gnomAD no frequency). This variant has not been reported in the literature in individuals affected with DNAH9-related conditions. Advanced modeling of protein sequence and biophysical properties (such as structural, functional, and spatial information, amino acid conservation, physicochemical variation, residue mobility, and thermodynamic stability) performed at Invitae indicates that this missense variant is not expected to disrupt DNAH9 protein function. In summary, the available evidence is currently insufficient to determine the role of this variant in disease. Therefore, it has been classified as a Variant of Uncertain Significance.

NM_001372.4(DNAH9):c.8780G>A (p.Ser2927Asn)

Gene: DNAH9 (dynein axonemal heavy chain 9; plus strand). Cytogenetic location: 17p12.
Variant type: single nucleotide variant.
Coding change: c.8780G>A on transcript NM_001372.4 (MANE Select); coding-DNA position 8780, G replaced by A.
Protein change: p.Ser2927Asn; replaces serine 2927 with asparagine.
Molecular consequence: missense variant.
Genome position (GRCh38, 1-based): chr17:11,821,992, G>A. VCF-style: chr17-11821992-G-A. GRCh37 (hg19) VCF-style: chr17-11725309-G-A.
Other names: short protein forms S2927N.
Identifiers: ClinVar variation 2835895 (VCV002835895.1), dbSNP rs2544714706, ClinGen allele CA398199397.